The following is an entry in ClinVar:

NM_000844.4(GRM7):c.1585C>G (p.Pro529Ala)

Gene: GRM7 (glutamate metabotropic receptor 7; plus strand). Cytogenetic location: 3p26.1.
Variant type: single nucleotide variant.
Coding change: c.1585C>G on transcript NM_000844.4 (MANE Select); coding-DNA position 1585, C replaced by G.
Protein change: p.Pro529Ala; replaces proline 529 with alanine.
Molecular consequence: missense variant.
Genome position (GRCh38, 1-based): chr3:7,578,491, C>G. VCF-style: chr3-7578491-C-G. GRCh37 (hg19) VCF-style: chr3-7620178-C-G.
Other names: c.1585C>G, p.Pro529Ala (NM_181874.3); short protein forms P529A.
Identifiers: ClinVar variation 1695685 (VCV001695685.2), dbSNP rs1442355998, ClinGen allele CA351798965.

ClinVar aggregate classification (germline): Uncertain significance (1 of 4 stars; one submission).

Allele frequency attached by ClinVar (database versions not stated): TOPMed below 0.00001; gnomAD 0.00001.
gnomAD v4.1: 6 of 1,613,684 alleles (0.00037%); highest among the groups gnomAD compares: Non-Finnish European, 0.00051%; no homozygotes.

Submission:

GeneDx
Classification: Uncertain significance. Last evaluated: 2022-01-09. Review status: criteria provided, single submitter. Criteria: GeneDx Variant Classification Process June 2021. Collection method: clinical testing. Allele origin: germline. Affected: yes.
Comment: Not observed at significant frequency in large population cohorts (gnomAD); In silico analysis supports that this missense variant has a deleterious effect on protein structure/function; Has not been previously published as pathogenic or benign to our knowledge